The following is an entry in ClinVar:

ClinVar aggregate classification (germline): Likely pathogenic (1 of 4 stars; one submission).

Conditions:
Primary ciliary dyskinesia 3. Identifiers: Orphanet 244, MedGen C1837618, MONDO:0012085, OMIM 608644.

Submission:

Myriad Genetics, Inc.
Classification: Likely pathogenic for Primary ciliary dyskinesia 3. Last evaluated: 2022-03-02. Review status: criteria provided, single submitter. Criteria: Myriad Women's Health Autosomal Recessive and X-Linked Classification Criteria (2021). Collection method: clinical testing. Allele origin: unknown.
Comment: NM_001369.2(DNAH5):c.8370T>A(Y2790*) is expected to be pathogenic in the context of DNAH5-related primary ciliary dyskinesia. This variant is predicted to lead to an abnormal or absent protein product due to the creation of a premature termination codon in DNAH5, a gene where loss-of-function variants are known to be pathogenic. Please note: this variant was assessed in the context of healthy population screening.

NM_001369.3(DNAH5):c.8370T>A (p.Tyr2790Ter)

Gene: DNAH5 (dynein axonemal heavy chain 5; minus strand). Cytogenetic location: 5p15.2.
Variant type: single nucleotide variant.
Coding change: c.8370T>A on transcript NM_001369.3 (MANE Select); coding-DNA position 8370, T replaced by A.
Protein change: p.Tyr2790Ter; replaces tyrosine 2790 with a stop codon.
Molecular consequence: nonsense.
Genome position (GRCh38, 1-based): chr5:13,792,072, A>T on the plus strand (T>A on the coding strand, the complement: DNAH5 is on the minus strand). VCF-style: chr5-13792072-A-T. GRCh37 (hg19) VCF-style: chr5-13792181-A-T.
Other names: short protein forms Y2790*.
Identifiers: ClinVar variation 1724905 (VCV001724905.2), dbSNP rs2546736793, ClinGen allele CA359219125.